The following is an entry in ClinVar:

ClinVar aggregate classification (germline): Uncertain significance (1 of 4 stars; one submission).

Allele frequency attached by ClinVar (database versions not stated): gnomAD exomes below 0.00001.
gnomAD v4.1: 1 of 1,513,506 alleles (0.000066%); highest among the groups gnomAD compares: Non-Finnish European, 0.000092%; no homozygotes.

Submission:

Labcorp Genetics (formerly Invitae), Labcorp
Classification: Uncertain significance. Last evaluated: 2022-09-27. Review status: criteria provided, single submitter. Criteria: Invitae Variant Classification Sherloc (09022015). Collection method: clinical testing. Allele origin: germline.
Comment: In summary, the available evidence is currently insufficient to determine the role of this variant in disease. Therefore, it has been classified as a Variant of Uncertain Significance. Variants that disrupt the consensus splice site are a relatively common cause of aberrant splicing (PMID: 17576681, 9536098). Algorithms developed to predict the effect of sequence changes on RNA splicing suggest that this variant may create or strengthen a splice site. This variant has not been reported in the literature in individuals affected with NSUN3-related conditions. This variant is not present in population databases (gnomAD no frequency). This sequence change falls in intron 2 of the NSUN3 gene. It does not directly change the encoded amino acid sequence of the NSUN3 protein. It affects a nucleotide within the consensus splice site.

Literature cited by the submitters: PubMed 17576681; PubMed 9536098.

NM_022072.5(NSUN3):c.122+4A>C

Gene: NSUN3 (NOP2/Sun RNA methyltransferase 3; plus strand). Cytogenetic location: 3q11.2.
Variant type: single nucleotide variant.
Coding change: c.122+4A>C on transcript NM_022072.5 (MANE Select); 4 bases into the intron after coding-DNA position 122, A replaced by C.
Molecular consequence: intron variant.
Genome position (GRCh38, 1-based): chr3:94,064,550, A>C. VCF-style: chr3-94064550-A-C. GRCh37 (hg19) VCF-style: chr3-93783394-A-C.
Identifiers: ClinVar variation 1943842 (VCV001943842.5), dbSNP rs1576078017, ClinGen allele CA2577828941.